The following is an entry in ClinVar:

NM_001378452.1(ITPR1):c.5425A>G (p.Lys1809Glu)

Gene: ITPR1 (inositol 1,4,5-trisphosphate receptor type 1; plus strand). Cytogenetic location: 3p26.1.
Variant type: single nucleotide variant.
Coding change: c.5425A>G on transcript NM_001378452.1 (MANE Select); coding-DNA position 5425, A replaced by G.
Protein change: p.Lys1809Glu; replaces lysine 1809 with glutamic acid.
Molecular consequence: missense variant.
Genome position (GRCh38, 1-based): chr3:4,735,235, A>G. VCF-style: chr3-4735235-A-G. GRCh37 (hg19) VCF-style: chr3-4776919-A-G.
Other names: c.5281A>G, p.Lys1761Glu (NM_001099952.4); c.5380A>G, p.Lys1794Glu (NM_001168272.2); c.5236A>G, p.Lys1746Glu (NM_002222.7); short protein forms K1746E, K1761E, K1794E, K1809E.
Identifiers: ClinVar variation 2412840 (VCV002412840.3), dbSNP rs758802963, ClinGen allele CA351639102.

ClinVar aggregate classification (germline): Uncertain significance (1 of 4 stars; one submission).

gnomAD v4.1: 1 of 1,613,980 alleles (0.000062%); highest among the groups gnomAD compares: Non-Finnish European, 0.000085%; no homozygotes.

Submission:

GeneDx
Classification: Uncertain significance. Last evaluated: 2022-07-29. Review status: criteria provided, single submitter. Criteria: GeneDx Variant Classification Process June 2021. Collection method: clinical testing. Allele origin: germline. Affected: yes.
Comment: Not observed at significant frequency in large population cohorts (gnomAD); In silico analysis supports that this missense variant does not alter protein structure/function; Has not been previously published as pathogenic or benign to our knowledge